The following is an entry in ClinVar:

NM_001244008.2(KIF1A):c.3672G>A (p.Arg1224=)

Gene: KIF1A (kinesin family member 1A; minus strand). Cytogenetic location: 2q37.3.
Variant type: single nucleotide variant.
Coding change: c.3672G>A on transcript NM_001244008.2 (MANE Select); coding-DNA position 3672, G replaced by A.
Protein change: p.Arg1224=; no amino-acid change (arginine 1224 retained).
Molecular consequence: synonymous variant.
Genome position (GRCh38, 1-based): chr2:240,741,346, C>T on the plus strand (G>A on the coding strand, the complement: KIF1A is on the minus strand). VCF-style: chr2-240741346-C-T. GRCh37 (hg19) VCF-style: chr2-241680763-C-T.
Other names: c.3672G>A (NM_001244008.1); c.3396G>A, p.Arg1132= (NM_001320705.2, NM_001330289.2, NM_001379638.1); c.3471G>A, p.Arg1157= (NM_001330290.2, NM_001379634.1, NM_001379635.1 and 1 more transcripts); c.3747G>A, p.Arg1249= (NM_001379631.1); c.3621G>A, p.Arg1207= (NM_001379632.1); c.3645G>A, p.Arg1215= (NM_001379633.1, NM_001379642.1, NM_001379645.1); c.3369G>A, p.Arg1123= (NM_001379636.1, NM_001379639.1, NM_001379641.1 and 5 more transcripts); c.3444G>A, p.Arg1148= (NM_001379637.1, NM_001379648.1); and 1 more.
Identifiers: ClinVar variation 335269 (VCV000335269.39), dbSNP rs371024769, ClinGen allele CA2207704.

ClinVar aggregate classification (germline): Conflicting classifications of pathogenicity. Review status: criteria provided, conflicting classifications (1 of 4 stars). 7 submissions from 7 submitters: Uncertain significance (1); Benign (1); Likely benign (4). 1 of the submissions does not count toward it. Last evaluated 2026-01-26.

Conditions:
Hereditary spastic paraplegia 30. Identifiers: Orphanet 101010, MedGen C5235139, MONDO:0012476.
Neuropathy, hereditary sensory, type 2C. Also called: KIF1A-Related HSAN2 (HSAN2C); Hereditary sensory and autonomic neuropathy type IIC. Identifiers: Orphanet 970, MedGen C3280168, MONDO:0013634, OMIM 614213.
Intellectual disability, autosomal dominant 9 (NESCAVS). Also called: NESCAV SYNDROME; KIF1A-Related Neurodevelopmental Disorder. Identifiers: Orphanet 662367, MedGen C5393830, MONDO:0013656, OMIM 614255.
KIF1A-related disorder. Also called: KIF1A-related disorders; KIF1A-related condition.
Inborn genetic diseases. Identifiers: MedGen C0950123, MeSH D030342.

Allele frequency attached by ClinVar (database versions not stated): gnomAD exomes 0.00012 and 0.00016; ExAC 0.00029; gnomAD 0.00048 and 0.00053; TOPMed 0.00076; ESP Exome Variant Server 0.00079.
gnomAD v4.1: 238 of 1,588,636 alleles (0.015%); highest among the groups gnomAD compares: African/African-American, 0.15%; 1 homozygote.

Submissions (7):

Labcorp Genetics (formerly Invitae), Labcorp
Classification: Benign for Hereditary spastic paraplegia 30; Neuropathy, hereditary sensory, type 2C; Intellectual disability, autosomal dominant 9. Last evaluated: 2026-01-26. Review status: criteria provided, single submitter. Criteria: Invitae Variant Classification Sherloc (09022015). Collection method: clinical testing. Allele origin: germline.

CeGaT Center for Human Genetics Tuebingen
Classification: Likely benign. Last evaluated: 2024-11-01. Review status: criteria provided, single submitter. Criteria: CeGaT Center For Human Genetics Tuebingen Variant Classification Criteria Version 2. Collection method: clinical testing. Allele origin: germline. Affected: yes. Observed: 1 variant allele.
Comment: KIF1A: BP4, BP7

Blueprint Genetics
Classification: Likely benign. Last evaluated: 2024-06-27. Review status: criteria provided, single submitter. Criteria: ACMG Guidelines, 2015. Collection method: clinical testing. Allele origin: germline.

GeneDx
Classification: Likely benign. Last evaluated: 2020-09-02. Review status: criteria provided, single submitter. Criteria: GeneDx Variant Classification Process June 2021. Collection method: clinical testing. Allele origin: germline. Affected: yes.

Illumina Laboratory Services, Illumina
Classification: Uncertain significance for Spastic paraplegia 30A, autosomal dominant. Last evaluated: 2018-01-13. Review status: criteria provided, single submitter. Criteria: ICSL Variant Classification Criteria 13 December 2019. Collection method: clinical testing. Allele origin: germline.

Ambry Genetics
Classification: Likely benign for Inborn genetic diseases. Last evaluated: 2017-03-24. Review status: criteria provided, single submitter. Criteria: Ambry Variant Classification Scheme 2023. Collection method: clinical testing. Allele origin: germline.

PreventionGenetics, part of Exact Sciences
Classification: Likely benign for KIF1A-related condition. Last evaluated: 2024-06-03. Review status: no assertion criteria provided. Collection method: clinical testing. Allele origin: germline. Not counted in ClinVar's aggregate classification.
Comment: This variant is classified as likely benign based on ACMG/AMP sequence variant interpretation guidelines (Richards et al. 2015 PMID: 25741868, with internal and published modifications).